The following is an entry in ClinVar:

ClinVar aggregate classification (germline): Pathogenic/Likely pathogenic. Review status: criteria provided, multiple submitters, no conflicts (2 of 4 stars). 3 submissions from 3 submitters: Pathogenic (1); Likely pathogenic (2). Last evaluated 2025-08-13.

Conditions:
RET-related disorder. Also called: RET-related disorders; RET-related condition; RET-related disease.
Hereditary cancer-predisposing syndrome. Also called: Neoplastic Syndromes, Hereditary; Hereditary neoplastic syndrome; Hereditary Cancer Syndrome; Tumor predisposition. Identifiers: Orphanet 140162, MedGen C0027672, MeSH D009386, MONDO:0015356.

Submissions (3):

Ambry Genetics
Classification: Likely pathogenic for Hereditary cancer-predisposing syndrome. Last evaluated: 2025-08-13. Review status: criteria provided, single submitter. Criteria: Ambry Variant Classification Scheme 2023. Collection method: clinical testing. Allele origin: germline.
Comment: aThe c.1759+1G>A intronic variant results from a G to A substitution one nucleotides after coding exon 9 of the RET gene. Alterations that disrupt the canonical splice site are expected to result in aberrant splicing. A resulting transcript is predicted to be in-frame and is not expected to trigger nonsense-mediated mRNAdecay, although direct evidence is unavailable. Based on the available evidence, the RET c.1759+1G>A alteration is classified as likely pathogenic for Hirschsprung disease; however, its clinical significance for MEN2 is uncertain. This variant was not reported in population-based cohorts in the Genome Aggregation Database (gnomAD). This variant was reported in individual(s) with features consistent with Hirschsprung disease; in at least one individual, it was determined to be de novo (Carter, 2012; Gui, 2017). This nucleotide position is highly conserved in available vertebrate species. Based on the available evidence, this alteration is classified as likely pathogenic.

PreventionGenetics, part of Exact Sciences
Classification: Pathogenic for RET-related condition. Last evaluated: 2023-06-13. Review status: criteria provided, single submitter. Criteria: ACMG Guidelines, 2015. Collection method: clinical testing. Allele origin: germline.
Comment: The RET c.1759+1G>A variant is predicted to disrupt the GT donor site and interfere with normal splicing. This variant was reported in individuals with Hirschsprung disease and was reported to occur de novo in at least one case (Carter et al. 2012. PubMed ID: 22648184; reported as 3splicing9+1 in Gui et al. 2017. PubMed ID: 28274275). This variant has not been reported in a large population database, indicating this variant is rare. Variants that disrupt the consensus splice donor site in RET are expected to be pathogenic. This variant is interpreted as pathogenic.

Laboratorio de Genetica e Diagnostico Molecular, Hospital Israelita Albert Einstein
Classification: Likely pathogenic for RET-related disease. Last evaluated: 2022-07-15. Review status: criteria provided, single submitter. Criteria: ACMG Guidelines, 2015. Collection method: clinical testing. Allele origin: germline.
Comment: ACMG classification criteria: PVS1 strong, PS4 supporting, PM2 moderated

Literature cited by the submitters: PubMed 22648184 (cited by Ambry Genetics); PubMed 28274275 (cited by Ambry Genetics).

NM_020975.6(RET):c.1759+1G>A

Gene: RET (ret proto-oncogene; plus strand). Cytogenetic location: 10q11.21.
Variant type: single nucleotide variant.
Coding change: c.1759+1G>A on transcript NM_020975.6 (MANE Select); the canonical splice donor site of the intron after coding-DNA position 1759, G replaced by A.
Molecular consequence: splice donor variant.
Genome position (GRCh38, 1-based): chr10:43,112,964, G>A. VCF-style: chr10-43112964-G-A. GRCh37 (hg19) VCF-style: chr10-43608412-G-A.
Other names: c.1759+1G>A (NM_020975.4, NM_020630.7, NM_001406743.1 and 5 more transcripts); c.1363+1G>A (NM_001406772.1, NM_001406769.1); c.1321+1G>A (NM_001406773.1, NM_001406771.1); c.862+1G>A (NM_001406782.1, NM_001406780.1, NM_001406779.1 and 3 more transcripts); c.1630+1G>A (NM_001406764.1, NM_001406762.1, NM_001406761.1 and 1 more transcripts); c.1234+1G>A (NM_001406774.1); c.733+1G>A (NM_001406786.1, NM_001406783.1); c.1471+1G>A (NM_001406770.1, NM_001406766.1, NM_001406767.1); and 5 more.
Identifiers: ClinVar variation 2431628 (VCV002431628.4), dbSNP rs2132817885, ClinGen allele CA376552269.
Genomic context (GRCh38, chr10:43,112,964, plus strand): 5'-ACGGCCACTGCGATGTTGTGGAGACCCAAGACATCAACATTTGCCCTCAGGACTGCCTCC[G>A]TAAGCAGGGTTTAATCAGGGCATGGGAACAGGTAGGAGATAGTAGGGGAAACCTGGATCC-3'